The following is an entry in ClinVar:

ClinVar aggregate classification (germline): Uncertain significance. Review status: criteria provided, multiple submitters, no conflicts (2 of 4 stars). 2 submissions from 2 submitters: Uncertain significance (2). Last evaluated 2026-03-06.

Conditions:
BAZ1A-related disorder. Also called: BAZ1A-related condition.

gnomAD v4.1: 13 of 1,612,994 alleles (0.00081%); highest among the groups gnomAD compares: Admixed American, 0.01%; no homozygotes.

Submissions (2):

PreventionGenetics, part of Exact Sciences
Classification: Uncertain significance for BAZ1A-related condition. Last evaluated: 2026-03-06. Review status: criteria provided, single submitter. Criteria: ACMG Guidelines, 2015. Collection method: clinical testing. Allele origin: germline.
Comment: The BAZ1A c.677T>A variant is predicted to result in the amino acid substitution p.Leu226His. To our knowledge, this variant has not been reported in the literature. This variant is reported in 0.0054% of alleles in individuals of East Asian descent in gnomAD. At this time, the clinical significance of this variant is uncertain due to the absence of conclusive functional and genetic evidence.

Ambry Genetics
Classification: Uncertain significance. Last evaluated: 2025-10-15. Review status: criteria provided, single submitter. Criteria: Ambry Variant Classification Scheme 2023. Collection method: clinical testing. Allele origin: germline.

NM_013448.3(BAZ1A):c.677T>A (p.Leu226His)

Gene: BAZ1A (bromodomain adjacent to zinc finger domain 1A; minus strand). Cytogenetic location: 14q13.2.
Variant type: single nucleotide variant.
Coding change: c.677T>A on transcript NM_013448.3 (MANE Select); coding-DNA position 677, T replaced by A.
Protein change: p.Leu226His; replaces leucine 226 with histidine.
Molecular consequence: missense variant.
Genome position (GRCh38, 1-based): chr14:34,807,500, A>T on the plus strand (T>A on the coding strand, the complement: BAZ1A is on the minus strand). VCF-style: chr14-34807500-A-T. GRCh37 (hg19) VCF-style: chr14-35276706-A-T.
Other names: c.677T>A, p.Leu226His (NM_182648.2); short protein forms L226H.
Identifiers: ClinVar variation 4645219 (VCV004645219.2).
Genomic context (GRCh38, chr14:34,807,500, plus strand): 5'-TATTTGATTACCTTTATTTTAATGACTCCATCTTGTGGTTCACAGTGTTGCTTCAGAAAA[A>T]GCTTTAGTTTATCACGAGAAAATAGGTGTTTTCTCCGGCTACAGGAGGCAAGGAAGTCAA-3'
Protein context (NP_038476.2, residues 216-236): KHLFSRDKLK[Leu226His]FLKQHCEPQD